The following is an entry in ClinVar:

NM_006206.6(PDGFRA):c.2915G>A (p.Ser972Asn)

Gene: PDGFRA (platelet derived growth factor receptor alpha; plus strand). Cytogenetic location: 4q12.
Variant type: single nucleotide variant.
Coding change: c.2915G>A on transcript NM_006206.6 (MANE Select); coding-DNA position 2915, G replaced by A.
Protein change: p.Ser972Asn; replaces serine 972 with asparagine.
Molecular consequence: missense variant.
Genome position (GRCh38, 1-based): chr4:54,290,347, G>A. VCF-style: chr4-54290347-G-A. GRCh37 (hg19) VCF-style: chr4-55156514-G-A.
Other names: c.2990G>A, p.Ser997Asn (NM_001347828.2); c.2915G>A, p.Ser972Asn (NM_001347829.2); c.2954G>A, p.Ser985Asn (NM_001347830.2); short protein forms S972N, S985N, S997N.
Identifiers: ClinVar variation 4861749 (VCV004861749.1).

ClinVar aggregate classification (germline): Uncertain significance (1 of 4 stars; one submission).

Conditions:
Hereditary cancer-predisposing syndrome. Also called: Neoplastic Syndromes, Hereditary; Tumor predisposition; Hereditary Cancer Syndrome; Hereditary neoplastic syndrome. Identifiers: Orphanet 140162, MedGen C0027672, MeSH D009386, MONDO:0015356.

Submission:

Ambry Genetics
Classification: Uncertain significance for Hereditary cancer-predisposing syndrome. Last evaluated: 2026-05-17. Review status: criteria provided, single submitter. Criteria: Ambry Variant Classification Scheme 2023. Collection method: clinical testing. Allele origin: germline.
Comment: The p.S972N variant (also known as c.2915G>A), located in coding exon 21 of the PDGFRA gene, results from a G to A substitution at nucleotide position 2915. The serine at codon 972 is replaced by asparagine, an amino acid with highly similar properties. This amino acid position is conserved. In addition, the in silico prediction for this alteration is inconclusive. Based on the available evidence, the clinical significance of this variant remains unclear.